The following is an entry in ClinVar:

ClinVar aggregate classification (germline): Likely benign. Review status: criteria provided, multiple submitters, no conflicts (2 of 4 stars). 3 submissions from 3 submitters: Likely benign (3). Last evaluated 2025-11-25.

Conditions:
Cardiovascular phenotype. Identifiers: MedGen CN230736.
Long QT syndrome (LQTS). Identifiers: MedGen C0023976, MeSH D008133, MONDO:0002442. Disease mechanism: loss of function. Inheritance: Various modes of inheritance.

Allele frequency attached by ClinVar (database versions not stated): gnomAD exomes 0.00001; gnomAD 0.00003; TOPMed 0.00004.
gnomAD v4.1: 8 of 1,614,110 alleles (0.0005%); highest among the groups gnomAD compares: Admixed American, 0.012%; no homozygotes.

Submissions (3):

Labcorp Genetics (formerly Invitae), Labcorp
Classification: Likely benign for Long QT syndrome. Last evaluated: 2025-11-25. Review status: criteria provided, single submitter. Criteria: Invitae Variant Classification Sherloc (09022015). Collection method: clinical testing. Allele origin: germline.

Ambry Genetics
Classification: Likely benign for Cardiovascular phenotype. Last evaluated: 2025-04-23. Review status: criteria provided, single submitter. Criteria: Ambry Variant Classification Scheme 2023. Collection method: clinical testing. Allele origin: germline.

All of Us Research Program, National Institutes of Health
Classification: Likely benign for Long QT syndrome. Last evaluated: 2023-11-20. Review status: criteria provided, single submitter. Criteria: ACMG Guidelines, 2015. Collection method: clinical testing. Allele origin: germline. Inheritance: Autosomal dominant inheritance. Observed: 3 variant alleles, 3 heterozygotes.
Comment: This study involves interpretation of variants in research participants for the purpose of population health screening. Participant phenotype was not available at the time of variant classification. Additional details can be found in publication PMID: 35346344, PMCID: PMC8962531

NM_000238.4(KCNH2):c.1281C>T (p.Tyr427=)

Gene: KCNH2 (potassium voltage-gated channel subfamily H member 2; minus strand). Cytogenetic location: 7q36.1.
Variant type: single nucleotide variant.
Coding change: c.1281C>T on transcript NM_000238.4 (MANE Select); coding-DNA position 1281, C replaced by T.
Protein change: p.Tyr427=; no amino-acid change (tyrosine 427 retained).
Molecular consequence: synonymous variant. On other transcripts: non-coding transcript variant (2).
Genome position (GRCh38, 1-based): chr7:150,952,701, G>A on the plus strand (C>T on the coding strand, the complement: KCNH2 is on the minus strand). VCF-style: chr7-150952701-G-A. GRCh37 (hg19) VCF-style: chr7-150649789-G-A.
Other names: c.261C>T, p.Tyr87= (NM_001204798.2, NM_172057.3); c.993C>T, p.Tyr331= (NM_001406753.1, NM_001406756.1); c.1104C>T, p.Tyr368= (NM_001406755.1); c.981C>T, p.Tyr327= (NM_001406757.1); c.1281C>T, p.Tyr427= (NM_172056.3).
Identifiers: ClinVar variation 695266 (VCV000695266.14), dbSNP rs1291372587, ClinGen allele CA458645682.